The following is an entry in ClinVar:

NC_000003.12:g.169764710G>A

Genes: TERC (telomerase RNA component; minus strand), LOC110806306 (telomerase RNA component (TERC) promoter; plus strand). Cytogenetic location: 3q26.2.
Variant type: single nucleotide variant.
Genome position: GRCh38 VCF-style: chr3-169764710-G-A. GRCh37 (hg19) VCF-style: chr3-169482498-G-A.
Identifiers: ClinVar variation 1361014 (VCV001361014.8), dbSNP rs925088948, ClinGen allele CA436714969.
Genomic context (GRCh38, chr3:169,764,710, plus strand): 5'-AGGGAATCGCGCCGCGCGCGGGGACTCGCTCCGTTCCTCTTCCTGCGGCCTGAAAGGCCT[G>A]AACCTCGCCCTCGCCCCCGAGAGACCCGCGGCTGACAGAGCCCAACTCTTCGCGGTGGCA-3'

ClinVar aggregate classification (germline): Uncertain significance (1 of 4 stars; one submission).

Conditions:
Dyskeratosis congenita, autosomal dominant 1 (DKCA1). Also called: Dyskeratosis congenita Scoggins type. Identifiers: Orphanet 1775, MedGen C4551974, MONDO:0007485, OMIM 127550. Inheritance: Variable.

Submission:

Labcorp Genetics (formerly Invitae), Labcorp
Classification: Uncertain significance for Dyskeratosis congenita, autosomal dominant 1. Last evaluated: 2022-07-18. Review status: criteria provided, single submitter. Criteria: Invitae Variant Classification Sherloc (09022015). Collection method: clinical testing. Allele origin: germline.
Comment: This variant is located within the BoxH/ACA scaRNA domain of the TERC RNA component, which is required for telomerase activity (PMID: 21844345). In summary, the available evidence is currently insufficient to determine the role of this variant in disease. Therefore, it has been classified as a Variant of Uncertain Significance. ClinVar contains an entry for this variant (Variation ID: 1361014). This variant has not been reported in the literature in individuals affected with TERC-related conditions. This variant is not present in population databases (gnomAD no frequency). This variant occurs in the TERC gene, which encodes an RNA molecule that does not result in a protein product.

Literature cited by the submitters: PubMed 21844345.